The following is an entry in ClinVar:

ClinVar aggregate classification (germline): Uncertain significance (1 of 4 stars; one submission).

Conditions:
Hereditary cancer-predisposing syndrome. Also called: Neoplastic Syndromes, Hereditary; Tumor predisposition; Hereditary Cancer Syndrome; Hereditary neoplastic syndrome. Identifiers: Orphanet 140162, MedGen C0027672, MeSH D009386, MONDO:0015356.

gnomAD v4.1: 1 of 1,614,098 alleles (0.000062%); highest among the groups gnomAD compares: East Asian, 0.0022%; no homozygotes.

Submission:

Ambry Genetics
Classification: Uncertain significance for Hereditary cancer-predisposing syndrome. Last evaluated: 2025-04-28. Review status: criteria provided, single submitter. Criteria: Ambry Variant Classification Scheme 2023. Collection method: clinical testing. Allele origin: germline.
Comment: The p.I1283N variant (also known as c.3848T>A), located in coding exon 9 of the MSH6 gene, results from a T to A substitution at nucleotide position 3848. The isoleucine at codon 1283 is replaced by asparagine, an amino acid with dissimilar properties. This amino acid position is highly conserved in available vertebrate species. In addition, this alteration is predicted to be deleterious by in silico analysis. Based on the available evidence, the clinical significance of this variant remains unclear.

NM_000179.3(MSH6):c.3848T>A (p.Ile1283Asn)

Gene: MSH6 (mutS homolog 6; plus strand). Cytogenetic location: 2p16.3.
Variant type: single nucleotide variant.
Coding change: c.3848T>A on transcript NM_000179.3 (MANE Select); coding-DNA position 3848, T replaced by A.
Protein change: p.Ile1283Asn; replaces isoleucine 1283 with asparagine.
Molecular consequence: missense variant.
Genome position (GRCh38, 1-based): chr2:47,806,498, T>A. VCF-style: chr2-47806498-T-A. GRCh37 (hg19) VCF-style: chr2-48033637-T-A.
Other names: c.3551T>A, p.Ile1184Asn (NM_001406805.1, NM_001406797.1, NM_001406801.1 and 10 more transcripts); c.3323T>A, p.Ile1108Asn (NM_001406806.1, NM_001406807.1, NM_001406799.1); c.3458T>A, p.Ile1153Asn (NM_001281492.2); c.2942T>A, p.Ile981Asn (NM_001281493.2, NM_001281494.2, NM_001406823.1 and 6 more transcripts); c.3944T>A, p.Ile1315Asn (NM_001406795.1); c.3848T>A, p.Ile1283Asn (NM_001406796.1, NM_001406808.1, NM_001406809.1); c.3674T>A, p.Ile1225Asn (NM_001406798.1); c.3835T>A, p.Leu1279Ile (NM_001406800.1); and 8 more; short protein forms I1225N, I1227N, I232N, I598N, I761N, I1184N, I1283N, I995N.
Identifiers: ClinVar variation 1735481 (VCV001735481.3), dbSNP rs1180903149, ClinGen allele CA346761304.